The following is an entry in ClinVar:

ClinVar aggregate classification (germline): Likely benign. Review status: criteria provided, multiple submitters, no conflicts (2 of 4 stars). 2 submissions from 2 submitters: Likely benign (2). Last evaluated 2026-05-27.

Conditions:
FRAS1-related disorder. Also called: FRAS1-related condition.

Allele frequency attached by ClinVar (database versions not stated): ESP Exome Variant Server 0.00042; 1000 Genomes Project 0.00140; 1000 Genomes Project 30x 0.00172; ExAC 0.00015.
gnomAD v4.1: 174 of 1,604,212 alleles (0.011%); highest among the groups gnomAD compares: African/African-American, 0.2%; no homozygotes.

Submissions (2):

PreventionGenetics, part of Exact Sciences
Classification: Likely benign for FRAS1-related condition. Last evaluated: 2026-05-27. Review status: criteria provided, single submitter. Criteria: ACMG Guidelines, 2015. Collection method: clinical testing. Allele origin: germline.
Comment: This variant is classified as likely benign based on ACMG/AMP sequence variant interpretation guidelines (Richards et al. 2015 PMID: 25741868, with internal and published modifications).

Labcorp Genetics (formerly Invitae), Labcorp
Classification: Likely benign. Last evaluated: 2026-01-19. Review status: criteria provided, single submitter. Criteria: Invitae Variant Classification Sherloc (09022015). Collection method: clinical testing. Allele origin: germline.

NM_025074.7(FRAS1):c.6009C>T (p.His2003=)

Gene: FRAS1 (Fraser extracellular matrix complex subunit 1; plus strand). Cytogenetic location: 4q21.21.
Variant type: single nucleotide variant.
Coding change: c.6009C>T on transcript NM_025074.7 (MANE Select); coding-DNA position 6009, C replaced by T.
Protein change: p.His2003=; no amino-acid change (histidine 2003 retained).
Molecular consequence: synonymous variant.
Genome position (GRCh38, 1-based): chr4:78,446,879, C>T. VCF-style: chr4-78446879-C-T. GRCh37 (hg19) VCF-style: chr4-79368033-C-T.
Other names: c.6009C>T (NM_025074.6).
Identifiers: ClinVar variation 2177912 (VCV002177912.8), dbSNP rs114108086, ClinGen allele CA2977675.
Genomic context (GRCh38, chr4:78,446,879, plus strand): 5'-GCAAGACCTGGACACCCCAGATAATGAGCTCATTTTTGTATTGACAAAAAAGCCTGACCA[C>T]GGTAGGGCACGAACTGCTATGAAAAGCTTCTTAATTGAGATGCCCGATGGGCTGTTAGAA-3'
Protein context (NP_079350.5, residues 1993-2013): LIFVLTKKPD[His2003=]GHVLWRQTAS